The following is an entry in ClinVar:

NM_001199107.2(TBC1D24):c.937C>T (p.Gln313Ter)

Gene: TBC1D24 (TBC1 domain family member 24; plus strand). Cytogenetic location: 16p13.3.
Variant type: single nucleotide variant.
Coding change: c.937C>T on transcript NM_001199107.2 (MANE Select); coding-DNA position 937, C replaced by T.
Protein change: p.Gln313Ter; replaces glutamine 313 with a stop codon.
Molecular consequence: nonsense.
Genome position (GRCh38, 1-based): chr16:2,497,085, C>T. VCF-style: chr16-2497085-C-T. GRCh37 (hg19) VCF-style: chr16-2547086-C-T.
Other names: c.937C>T, p.Gln313Ter (NM_020705.3); short protein forms Q313*.
Identifiers: ClinVar variation 4812382 (VCV004812382.1).

ClinVar aggregate classification (germline): Pathogenic (1 of 4 stars; one submission).

Conditions:
Autosomal dominant nonsyndromic hearing loss 65. Also called: Deafness, autosomal dominant 65; TBC1D24-Related Autosomal Dominant Nonsyndromic Hearing Loss (DFNA). Identifiers: Orphanet 90635, MedGen C3892048, MONDO:0014470, OMIM 616044.
Developmental and epileptic encephalopathy, 1 (DEE1). Also called: INFANTILE SPASM SYNDROME, X-LINKED 1; X-linked infantile spasms; West's syndrome; Tonic spasms with clustering, arrest of psychomotor development and hypsarrhythmia on EEG; X-Linked Infantile Spasm Syndrome; OHTAHARA SYNDROME, X-LINKED. Identifiers: MedGen C3463992, MONDO:0010632, OMIM 308350. Disease mechanism: loss of function.

Submission:

Labcorp Genetics (formerly Invitae), Labcorp
Classification: Pathogenic for Developmental and epileptic encephalopathy, 1; Autosomal dominant nonsyndromic hearing loss 65. Last evaluated: 2025-07-03. Review status: criteria provided, single submitter. Criteria: Invitae Variant Classification Sherloc (09022015). Collection method: clinical testing. Allele origin: germline.
Comment: This sequence change creates a premature translational stop signal (p.Gln313*) in the TBC1D24 gene. It is expected to result in an absent or disrupted protein product. Loss-of-function variants in TBC1D24 are known to be pathogenic (PMID: 23526554, 24291220). This variant is not present in population databases (gnomAD no frequency). This variant has not been reported in the literature in individuals affected with TBC1D24-related conditions. For these reasons, this variant has been classified as Pathogenic.

Literature cited by the submitters: PubMed 23526554; PubMed 24291220.